The following is an entry in ClinVar:

ClinVar aggregate classification (germline): Benign/Likely benign. Review status: criteria provided, multiple submitters, no conflicts (2 of 4 stars). 4 submissions from 4 submitters: Benign (1); Likely benign (3). Last evaluated 2025-07-30.

Conditions:
Melanoma, cutaneous malignant, susceptibility to, 5. Also called: Cutaneous malignant melanoma 5. Identifiers: Orphanet 618, MedGen C2751295, MONDO:0013133, OMIM 613099.

Allele frequency attached by ClinVar (database versions not stated): ExAC 0.00019; 1000 Genomes Project 0.00020; gnomAD exomes 0.00025 and 0.00034; gnomAD 0.00030; 1000 Genomes Project 30x 0.00031; ESP Exome Variant Server 0.00031; TOPMed 0.00037.
gnomAD v4.1: 540 of 1,607,574 alleles (0.034%); highest among the groups gnomAD compares: Admixed American, 0.068%; no homozygotes.

Submissions (4):

Labcorp Genetics (formerly Invitae), Labcorp
Classification: Likely benign for Melanoma, cutaneous malignant, susceptibility to, 5. Last evaluated: 2025-07-30. Review status: criteria provided, single submitter. Criteria: Invitae Variant Classification Sherloc (09022015). Collection method: clinical testing. Allele origin: germline.

Women's Health and Genetics/Laboratory Corporation of America, LabCorp
Classification: Likely benign. Last evaluated: 2024-12-23. Review status: criteria provided, single submitter. Criteria: LabCorp Variant Classification Summary - May 2015. Collection method: clinical testing. Allele origin: germline.

Ambry Genetics
Classification: Likely benign. Last evaluated: 2024-11-21. Review status: criteria provided, single submitter. Criteria: Ambry Variant Classification Scheme 2023. Collection method: clinical testing. Allele origin: germline.

Illumina Laboratory Services, Illumina
Classification: Benign for Melanoma, cutaneous malignant, susceptibility to, 5. Last evaluated: 2018-01-13. Review status: criteria provided, single submitter. Criteria: ICSL Variant Classification Criteria 13 December 2019. Collection method: clinical testing. Allele origin: germline.
Comment: This variant was observed in the ICSL laboratory as part of a predisposition screen in an ostensibly healthy population. It had not been previously curated by ICSL or reported in the Human Gene Mutation Database (HGMD: prior to June 1st, 2018), and was therefore a candidate for classification through an automated scoring system. Utilizing variant allele frequency, disease prevalence and penetrance estimates, and inheritance mode, an automated score was calculated to assess if this variant is too frequent to cause the disease. Based on the score and internal cut-off values, a variant classified as benign is not then subjected to further curation. The score for this variant resulted in a classification of benign for this disease.

NM_002386.4(MC1R):c.555C>T (p.His185=)

Gene: MC1R (melanocortin 1 receptor; plus strand). Cytogenetic location: 16q24.3.
Variant type: single nucleotide variant.
Coding change: c.555C>T on transcript NM_002386.4 (MANE Select); coding-DNA position 555, C replaced by T.
Protein change: p.His185=; no amino-acid change (histidine 185 retained).
Molecular consequence: synonymous variant.
Genome position (GRCh38, 1-based): chr16:89,919,813, C>T. VCF-style: chr16-89919813-C-T. GRCh37 (hg19) VCF-style: chr16-89986221-C-T.
Identifiers: ClinVar variation 321431 (VCV000321431.16), dbSNP rs199920775, ClinGen allele CA8255660.